The following is an entry in ClinVar:

ClinVar aggregate classification (germline): Conflicting classifications of pathogenicity. Review status: criteria provided, conflicting classifications (1 of 4 stars). 2 submissions from 2 submitters: Uncertain significance (1); Likely benign (1). Last evaluated 2024-10-01.

Conditions:
Inborn genetic diseases. Identifiers: MedGen C0950123, MeSH D030342.

Allele frequency attached by ClinVar (database versions not stated): gnomAD 0.00003; ExAC 0.00004; gnomAD exomes 0.00004.
gnomAD v4.1: 57 of 1,609,912 alleles (0.0035%); highest among the groups gnomAD compares: South Asian, 0.0089%; no homozygotes.

Submissions (2):

Ambry Genetics
Classification: Likely benign for Inborn genetic diseases. Last evaluated: 2024-10-01. Review status: criteria provided, single submitter. Criteria: Ambry Variant Classification Scheme 2023. Collection method: clinical testing. Allele origin: germline.

Labcorp Genetics (formerly Invitae), Labcorp
Classification: Uncertain significance. Last evaluated: 2023-12-15. Review status: criteria provided, single submitter. Criteria: Invitae Variant Classification Sherloc (09022015). Collection method: clinical testing. Allele origin: germline.
Comment: This sequence change replaces valine, which is neutral and non-polar, with isoleucine, which is neutral and non-polar, at codon 2969 of the FAT1 protein (p.Val2969Ile). This variant is present in population databases (rs752874782, gnomAD 0.007%). This variant has not been reported in the literature in individuals affected with FAT1-related conditions. ClinVar contains an entry for this variant (Variation ID: 1914661). Advanced modeling of protein sequence and biophysical properties (such as structural, functional, and spatial information, amino acid conservation, physicochemical variation, residue mobility, and thermodynamic stability) performed at Invitae indicates that this missense variant is not expected to disrupt FAT1 protein function with a negative predictive value of 80%. In summary, the available evidence is currently insufficient to determine the role of this variant in disease. Therefore, it has been classified as a Variant of Uncertain Significance.

NM_005245.4(FAT1):c.8905G>A (p.Val2969Ile)

Genes: FAT1 (FAT atypical cadherin 1; minus strand), LOC126807255 (BRD4-independent group 4 enhancer GRCh37_chr4:187538202-187539401; plus strand). Cytogenetic location: 4q35.2.
Variant type: single nucleotide variant.
Coding change: c.8905G>A on transcript NM_005245.4 (MANE Select); coding-DNA position 8905, G replaced by A.
Protein change: p.Val2969Ile; replaces valine 2969 with isoleucine.
Molecular consequence: missense variant.
Genome position (GRCh38, 1-based): chr4:186,617,175, C>T on the plus strand (G>A on the coding strand, the complement: FAT1 is on the minus strand). VCF-style: chr4-186617175-C-T. GRCh37 (hg19) VCF-style: chr4-187538329-C-T.
Other names: c.8905G>A (NM_005245.3); short protein forms V2969I.
Identifiers: ClinVar variation 1914661 (VCV001914661.6), dbSNP rs752874782, ClinGen allele CA3165782.